The following is an entry in ClinVar:

NM_001376.5(DYNC1H1):c.10473A>C (p.Lys3491Asn)

Gene: DYNC1H1 (dynein cytoplasmic 1 heavy chain 1; plus strand). Cytogenetic location: 14q32.31.
Variant type: single nucleotide variant.
Coding change: c.10473A>C on transcript NM_001376.5 (MANE Select); coding-DNA position 10473, A replaced by C.
Protein change: p.Lys3491Asn; replaces lysine 3491 with asparagine.
Molecular consequence: missense variant.
Genome position (GRCh38, 1-based): chr14:102,034,035, A>C. VCF-style: chr14-102034035-A-C. GRCh37 (hg19) VCF-style: chr14-102500372-A-C.
Other names: short protein forms K3491N.
Identifiers: ClinVar variation 1775611 (VCV001775611.8), dbSNP rs201109134, ClinGen allele CA391025781.
Genomic context (GRCh38, chr14:102,034,035, plus strand): 5'-GGTAAACCGGAGCACTGCTCTTCTGAAGAGCTTGTCTGCTGAACGTGAACGATGGGAAAA[A>C]ACAAGTGAAACTTTCAAAAACCAGATGTCCACCATTGCTGGGGACTGTCTCTTGTCAGCT-3'
Protein context (NP_001367.2, residues 3481-3501): SLSAERERWE[Lys3491Asn]TSETFKNQMS

ClinVar aggregate classification (germline): Conflicting classifications of pathogenicity. Review status: criteria provided, conflicting classifications (1 of 4 stars). 3 submissions from 3 submitters: Uncertain significance (2); Likely benign (1). Last evaluated 2026-01-08.

Conditions:
DYNC1H1-related disorder. Also called: DYNC1H1-related condition; DYNC1H1-related disorders. Identifiers: MedGen CN381529.
Charcot-Marie-Tooth disease axonal type 2O. Also called: CHARCOT-MARIE-TOOTH NEUROPATHY, AXONAL, TYPE 2O; CHARCOT-MARIE-TOOTH DISEASE, AXONAL, AUTOSOMAL DOMINANT, TYPE 2O; Charcot-Marie-Tooth Neuropathy Type 2O; Charcot-Marie-Tooth disease, axonal, type 20. Identifiers: Orphanet 284232, MedGen C3280220, MONDO:0013644, OMIM 614228.
Inborn genetic diseases. Identifiers: MedGen C0950123, MeSH D030342.

gnomAD v4.1: 2 of 1,614,124 alleles (0.00012%); highest among the groups gnomAD compares: Admixed American, 0.0017%; no homozygotes.

Submissions (3):

Labcorp Genetics (formerly Invitae), Labcorp
Classification: Likely benign for Charcot-Marie-Tooth disease axonal type 2O. Last evaluated: 2026-01-08. Review status: criteria provided, single submitter. Criteria: Invitae Variant Classification Sherloc (09022015). Collection method: clinical testing. Allele origin: germline.

PreventionGenetics, part of Exact Sciences
Classification: Uncertain significance for DYNC1H1-related condition. Last evaluated: 2022-09-19. Review status: criteria provided, single submitter. Criteria: ACMG Guidelines, 2015. Collection method: clinical testing. Allele origin: germline.
Comment: The DYNC1H1 c.10473A>C variant is predicted to result in the amino acid substitution p.Lys3491Asn. To our knowledge, this variant has not been reported in the literature. This variant is reported in 0.0029% of alleles in individuals of Latino descent in gnomAD. At this time, the clinical significance of this variant is uncertain due to the absence of conclusive functional and genetic evidence.

Ambry Genetics
Classification: Uncertain significance for Inborn genetic diseases. Last evaluated: 2022-01-30. Review status: criteria provided, single submitter. Criteria: Ambry Variant Classification Scheme 2023. Collection method: clinical testing. Allele origin: germline.
Comment: The p.K3491N variant (also known as c.10473A>C), located in coding exon 55 of the DYNC1H1 gene, results from an A to C substitution at nucleotide position 10473. The lysine at codon 3491 is replaced by asparagine, an amino acid with similar properties. This amino acid position is conserved. In addition, this alteration is predicted to be tolerated by in silico analysis. Since supporting evidence is limited at this time, the clinical significance of this alteration remains unclear.